The following is an entry in ClinVar:

NM_212482.4(FN1):c.414A>G (p.Ala138=)

Gene: FN1 (fibronectin 1; minus strand). Cytogenetic location: 2q35.
Variant type: single nucleotide variant.
Coding change: c.414A>G on transcript NM_212482.4 (MANE Select); coding-DNA position 414, A replaced by G.
Protein change: p.Ala138=; no amino-acid change (alanine 138 retained).
Molecular consequence: synonymous variant.
Genome position (GRCh38, 1-based): chr2:215,433,325, T>C on the plus strand (A>G on the coding strand, the complement: FN1 is on the minus strand). VCF-style: chr2-215433325-T-C. GRCh37 (hg19) VCF-style: chr2-216298048-T-C.
Other names: c.414A>G, p.Ala138= (NM_001306129.2, NM_001306130.2, NM_001306131.2 and 14 more transcripts).
Identifiers: ClinVar variation 1415865 (VCV001415865.10), dbSNP rs368265641, ClinGen allele CA2095583.

ClinVar aggregate classification (germline): Uncertain significance. Review status: criteria provided, multiple submitters, no conflicts (2 of 4 stars). 2 submissions from 2 submitters: Uncertain significance (2). Last evaluated 2026-01-13.

Conditions:
Spondylometaphyseal dysplasia - Sutcliffe type. Also called: Spondylometaphyseal dysplasia, 'corner fracture' type; Spondylometaphyseal Dysplasia, Corner Fracture Type; Sutcliffe type of spondylometaphyseal dysplasia; Sutcliffe SMD. Identifiers: Orphanet 93315, MedGen C0432221, MONDO:0008479, OMIM 184255.
Glomerulopathy with fibronectin deposits 2 (GFND2). Identifiers: Orphanet 84090, MedGen C1866075, MONDO:0011165, OMIM 601894.

Allele frequency attached by ClinVar (database versions not stated): gnomAD exomes below 0.00001 and 0.00002; gnomAD 0.00001 and 0.00002; TOPMed 0.00001; ExAC 0.00002; 1000 Genomes Project 30x 0.00016; 1000 Genomes Project 0.00020.
gnomAD v4.1: 15 of 1,614,144 alleles (0.00093%); highest among the groups gnomAD compares: East Asian, 0.0089%; no homozygotes.

Submissions (3):

Labcorp Genetics (formerly Invitae), Labcorp
Classification: Uncertain significance. Last evaluated: 2026-01-13. Review status: criteria provided, single submitter. Criteria: Invitae Variant Classification Sherloc (09022015). Collection method: clinical testing. Allele origin: germline.
Comment: This sequence change affects codon 138 of the FN1 mRNA. It is a 'silent' change, meaning that it does not change the encoded amino acid sequence of the FN1 protein. It affects a nucleotide within the consensus splice site. This variant is present in population databases (rs368265641, gnomAD 0.02%). This variant has not been reported in the literature in individuals affected with FN1-related conditions. ClinVar contains an entry for this variant (Variation ID: 1415865). Experimental studies and prediction algorithms are not available or were not evaluated, and the functional significance of this variant is currently unknown. Algorithms developed to predict the effect of sequence changes on RNA splicing suggest that this variant is not likely to affect RNA splicing. In summary, the available evidence is currently insufficient to determine the role of this variant in disease. Therefore, it has been classified as a Variant of Uncertain Significance.

Fulgent Genetics
Classification: Uncertain significance for Spondylometaphyseal dysplasia - Sutcliffe type; Glomerulopathy with fibronectin deposits 2. Last evaluated: 2024-03-19. Review status: criteria provided, single submitter. Criteria: ACMG Guidelines, 2015. Collection method: clinical testing. Allele origin: germline.

Dr. Peter K. Rogan Lab, Western University
No classification provided (evidence only). Condition: Gastric cancer. Review status: no classification provided. Collection method: in vitro. Allele origin: not applicable. Functional consequence: retained intron. Not counted in ClinVar's aggregate classification.